The following is an entry in ClinVar:

ClinVar aggregate classification (germline): Uncertain significance (1 of 4 stars; one submission).

gnomAD v4.1: 4 of 1,614,026 alleles (0.00025%); highest among the groups gnomAD compares: Non-Finnish European, 0.00034%; no homozygotes.

Submission:

GeneDx
Classification: Uncertain significance. Last evaluated: 2022-03-24. Review status: criteria provided, single submitter. Criteria: GeneDx Variant Classification Process June 2021. Collection method: clinical testing. Allele origin: germline. Affected: yes.
Comment: Not observed at significant frequency in large population cohorts (gnomAD); In silico analysis supports that this missense variant does not alter protein structure/function; Has not been previously published as pathogenic or benign to our knowledge

NM_001378452.1(ITPR1):c.2296C>A (p.Leu766Ile)

Gene: ITPR1 (inositol 1,4,5-trisphosphate receptor type 1; plus strand). Cytogenetic location: 3p26.1.
Variant type: single nucleotide variant.
Coding change: c.2296C>A on transcript NM_001378452.1 (MANE Select); coding-DNA position 2296, C replaced by A.
Protein change: p.Leu766Ile; replaces leucine 766 with isoleucine.
Molecular consequence: missense variant.
Genome position (GRCh38, 1-based): chr3:4,673,227, C>A. VCF-style: chr3-4673227-C-A. GRCh37 (hg19) VCF-style: chr3-4714911-C-A.
Other names: c.2296C>A, p.Leu766Ile (NM_001099952.4); c.2251C>A, p.Leu751Ile (NM_001168272.2, NM_002222.7); short protein forms L751I, L766I.
Identifiers: ClinVar variation 1707061 (VCV001707061.2), dbSNP rs2470755706, ClinGen allele CA351646652.
Genomic context (GRCh38, chr3:4,673,227, plus strand): 5'-CTGGACCGCCAATACCTGGCCATCAACGAAATCTCAGGCCAGCTGGATGTCGATCTCATT[C>A]TCCGCTGCATGTCTGACGAGAACCTGCCCTATGACCTCAGGGCGTCCTTCTGCCGCCTCA-3'
Protein context (NP_001365381.1, residues 756-776): ISGQLDVDLI[Leu766Ile]RCMSDENLPY